The following is an entry in ClinVar:

ClinVar aggregate classification (germline): Pathogenic (1 of 4 stars; one submission).

Conditions:
Developmental and epileptic encephalopathy, 54. Also called: HNRNPU-Related Neurodevelopmental Disorder; Epileptic encephalopathy, early infantile, 54. Identifiers: MedGen C4479319, MONDO:0033363, OMIM 617391.

Submission:

Labcorp Genetics (formerly Invitae), Labcorp
Classification: Pathogenic for Developmental and epileptic encephalopathy, 54. Last evaluated: 2023-10-13. Review status: criteria provided, single submitter. Criteria: Invitae Variant Classification Sherloc (09022015). Collection method: clinical testing. Allele origin: germline.
Comment: This sequence change affects an acceptor splice site in intron 5 of the HNRNPU gene. It is expected to disrupt RNA splicing. Variants that disrupt the donor or acceptor splice site typically lead to a loss of protein function (PMID: 16199547), and loss-of-function variants in HNRNPU are known to be pathogenic (PMID: 22678713, 28283832). This variant is not present in population databases (gnomAD no frequency). Disruption of this splice site has been observed in individual(s) with clinical features of HNRNPU-related conditions (Invitae). In at least one individual the variant was observed to be de novo. ClinVar contains an entry for this variant (Variation ID: 1066807). Algorithms developed to predict the effect of sequence changes on RNA splicing suggest that this variant may disrupt the consensus splice site. For these reasons, this variant has been classified as Pathogenic.

Literature cited by the submitters: PubMed 16199547; PubMed 22678713; PubMed 28283832.

NM_031844.3(HNRNPU):c.1118-1G>A

Gene: HNRNPU (heterogeneous nuclear ribonucleoprotein U; minus strand). Cytogenetic location: 1q44.
Variant type: single nucleotide variant.
Coding change: c.1118-1G>A on transcript NM_031844.3 (MANE Select); the canonical splice acceptor site of the intron before coding-DNA position 1118, G replaced by A.
Molecular consequence: splice acceptor variant.
Genome position (GRCh38, 1-based): chr1:244,858,842, C>T on the plus strand (G>A on the coding strand, the complement: HNRNPU is on the minus strand). VCF-style: chr1-244858842-C-T. GRCh37 (hg19) VCF-style: chr1-245022144-C-T.
Other names: c.1061-1G>A (NM_004501.3).
Identifiers: ClinVar variation 1066807 (VCV001066807.7), dbSNP rs2102987183, ClinGen allele CA345492369.